The following is an entry in ClinVar:

ClinVar aggregate classification (germline): Uncertain significance (1 of 4 stars; one submission).

Conditions:
Tuberous sclerosis 2 (TSC2). Identifiers: Orphanet 805, MedGen C1860707, MONDO:0013199, OMIM 613254.

Submission:

Labcorp Genetics (formerly Invitae), Labcorp
Classification: Uncertain significance for Tuberous sclerosis 2. Last evaluated: 2025-04-14. Review status: criteria provided, single submitter. Criteria: Invitae Variant Classification Sherloc (09022015). Collection method: clinical testing. Allele origin: germline.
Comment: This sequence change replaces alanine, which is neutral and non-polar, with threonine, which is neutral and polar, at codon 866 of the TSC2 protein (p.Ala866Thr). This variant is not present in population databases (gnomAD no frequency). This variant has not been reported in the literature in individuals affected with TSC2-related conditions. ClinVar contains an entry for this variant (Variation ID: 962572). Invitae Evidence Modeling of protein sequence and biophysical properties (such as structural, functional, and spatial information, amino acid conservation, physicochemical variation, residue mobility, and thermodynamic stability) indicates that this missense variant is not expected to disrupt TSC2 protein function with a negative predictive value of 95%. In summary, the available evidence is currently insufficient to determine the role of this variant in disease. Therefore, it has been classified as a Variant of Uncertain Significance.

NM_000548.5(TSC2):c.2596G>A (p.Ala866Thr)

Gene: TSC2 (TSC complex subunit 2; plus strand). Cytogenetic location: 16p13.3.
Variant type: single nucleotide variant.
Coding change: c.2596G>A on transcript NM_000548.5 (MANE Select); coding-DNA position 2596, G replaced by A.
Protein change: p.Ala866Thr; replaces alanine 866 with threonine.
Molecular consequence: missense variant.
Genome position (GRCh38, 1-based): chr16:2,075,849, G>A. VCF-style: chr16-2075849-G-A. GRCh37 (hg19) VCF-style: chr16-2125850-G-A.
Other names: c.2596G>A, p.Ala866Thr (NM_001077183.3, NM_001114382.3, NM_001363528.2 and 3 more transcripts); c.2485G>A, p.Ala829Thr (NM_001318827.2); c.2449G>A, p.Ala817Thr (NM_001318829.2); c.1996G>A, p.Ala666Thr (NM_001318831.2); c.2629G>A, p.Ala877Thr (NM_001318832.2); short protein forms A666T, A817T, A829T, A866T, A877T.
Identifiers: ClinVar variation 962572 (VCV000962572.9), dbSNP rs1555508378, ClinGen allele CA394278402.